The following is an entry in ClinVar:

NM_000465.4(BARD1):c.2250T>G (p.Val750=)

Gene: BARD1 (BRCA1 associated RING domain 1; minus strand). Cytogenetic location: 2q35.
Variant type: single nucleotide variant.
Coding change: c.2250T>G on transcript NM_000465.4 (MANE Select); coding-DNA position 2250, T replaced by G.
Protein change: p.Val750=; no amino-acid change (valine 750 retained).
Molecular consequence: synonymous variant. On other transcripts: non-coding transcript variant (3).
Genome position (GRCh38, 1-based): chr2:214,728,760, A>C on the plus strand (T>G on the coding strand, the complement: BARD1 is on the minus strand). VCF-style: chr2-214728760-A-C. GRCh37 (hg19) VCF-style: chr2-215593484-A-C.
Other names: c.2193T>G, p.Val731= (NM_001282543.2); c.897T>G, p.Val299= (NM_001282545.2); c.840T>G, p.Val280= (NM_001282548.2); c.711T>G, p.Val237= (NM_001282549.2).
Identifiers: ClinVar variation 751376 (VCV000751376.12), dbSNP rs1574702229, ClinGen allele CA431392617.

ClinVar aggregate classification (germline): Benign/Likely benign. Review status: criteria provided, multiple submitters, no conflicts (2 of 4 stars). 3 submissions from 3 submitters: Benign (1); Likely benign (2). Last evaluated 2024-07-30.

Conditions:
Hereditary cancer-predisposing syndrome. Also called: Tumor predisposition; Hereditary neoplastic syndrome; Neoplastic Syndromes, Hereditary; Hereditary Cancer Syndrome. Identifiers: Orphanet 140162, MedGen C0027672, MeSH D009386, MONDO:0015356.
Familial cancer of breast. Also called: BREAST CANCER, FAMILIAL; hereditary breast carcinoma; Hereditary breast cancer. Identifiers: Orphanet 227535, MedGen C0346153, MONDO:0016419, OMIM 114480. Disease mechanism: loss of function.

Allele frequency attached by ClinVar (database versions not stated): gnomAD exomes 0.00001.
gnomAD v4.1: 11 of 1,614,216 alleles (0.00068%); highest among the groups gnomAD compares: Non-Finnish European, 0.00085%; no homozygotes.

Submissions (3):

Myriad Genetics, Inc.
Classification: Benign for Familial cancer of breast. Last evaluated: 2024-07-30. Review status: criteria provided, single submitter. Criteria: Myriad Autosomal Dominant, Autosomal Recessive and X-Linked Classification Criteria (2023). Collection method: clinical testing. Allele origin: unknown.
Comment: This variant is considered benign. This variant is a silent/synonymous amino acid change and it is not expected to impact splicing.

Labcorp Genetics (formerly Invitae), Labcorp
Classification: Likely benign for Familial cancer of breast. Last evaluated: 2021-04-08. Review status: criteria provided, single submitter. Criteria: Invitae Variant Classification Sherloc (09022015). Collection method: clinical testing. Allele origin: germline.

Ambry Genetics
Classification: Likely benign for Hereditary cancer-predisposing syndrome. Last evaluated: 2020-09-15. Review status: criteria provided, single submitter. Criteria: Ambry Variant Classification Scheme 2023. Collection method: clinical testing. Allele origin: germline.